The following is an entry in ClinVar:

ClinVar aggregate classification (germline): Uncertain significance (1 of 4 stars; one submission).

Conditions:
Muscular dystrophy-dystroglycanopathy type B6 (MDDGB6). Also called: MUSCULAR DYSTROPHY, CONGENITAL, LARGE-RELATED; MUSCULAR DYSTROPHY, CONGENITAL, TYPE 1D; MUSCULAR DYSTROPHY-DYSTROGLYCANOPATHY (CONGENITAL WITH IMPAIRED INTELLECTUAL DEVELOPMENT), TYPE B, 6. Identifiers: MedGen C1837229, MONDO:0012138, OMIM 608840.

Allele frequency attached by ClinVar (database versions not stated): TOPMed 0.00001; ExAC 0.00002; gnomAD exomes 0.00004; ESP Exome Variant Server 0.00008.
gnomAD v4.1: 55 of 1,613,962 alleles (0.0034%); highest among the groups gnomAD compares: Non-Finnish European, 0.0046%; no homozygotes.

Submission:

Labcorp Genetics (formerly Invitae), Labcorp
Classification: Uncertain significance for Muscular dystrophy-dystroglycanopathy type B6. Last evaluated: 2022-07-06. Review status: criteria provided, single submitter. Criteria: Invitae Variant Classification Sherloc (09022015). Collection method: clinical testing. Allele origin: germline.
Comment: This sequence change replaces arginine, which is basic and polar, with histidine, which is basic and polar, at codon 724 of the LARGE1 protein (p.Arg724His). This variant is present in population databases (rs376907568, gnomAD 0.007%). This variant has not been reported in the literature in individuals affected with LARGE1-related conditions. ClinVar contains an entry for this variant (Variation ID: 1394788). Algorithms developed to predict the effect of missense changes on protein structure and function are either unavailable or do not agree on the potential impact of this missense change (SIFT: "Deleterious"; PolyPhen-2: "Probably Damaging"; Align-GVGD: "Class C0"). In summary, the available evidence is currently insufficient to determine the role of this variant in disease. Therefore, it has been classified as a Variant of Uncertain Significance.

NM_133642.5(LARGE1):c.2171G>A (p.Arg724His)

Gene: LARGE1 (LARGE xylosyl- and glucuronyltransferase 1; minus strand). Cytogenetic location: 22q12.3.
Variant type: single nucleotide variant.
Coding change: c.2171G>A on transcript NM_133642.5 (MANE Select); coding-DNA position 2171, G replaced by A.
Protein change: p.Arg724His; replaces arginine 724 with histidine.
Molecular consequence: missense variant.
Genome position (GRCh38, 1-based): chr22:33,274,527, C>T on the plus strand (G>A on the coding strand, the complement: LARGE1 is on the minus strand). VCF-style: chr22-33274527-C-T. GRCh37 (hg19) VCF-style: chr22-33670513-C-T.
Other names: c.2171G>A, p.Arg724His (NM_001362949.2, NM_001362951.2, NM_001362953.2 and 4 more transcripts); c.2024G>A, p.Arg675His (NM_001378627.1, NM_001378628.1); c.2015G>A, p.Arg672His (NM_001378629.1); c.1568G>A, p.Arg523His (NM_001378630.1); c.1265G>A, p.Arg422His (NM_001378631.1); short protein forms R675H, R672H, R523H, R422H, R724H.
Identifiers: ClinVar variation 1394788 (VCV001394788.3), dbSNP rs376907568, ClinGen allele CA10202550.